The following is an entry in ClinVar:

NM_080605.4(B3GALT6):c.252C>T (p.Arg84=)

Gene: B3GALT6 (beta-1,3-galactosyltransferase 6; plus strand). Cytogenetic location: 1p36.33.
Variant type: single nucleotide variant.
Coding change: c.252C>T on transcript NM_080605.4 (MANE Select); coding-DNA position 252, C replaced by T.
Protein change: p.Arg84=; no amino-acid change (arginine 84 retained).
Molecular consequence: synonymous variant.
Genome position (GRCh38, 1-based): chr1:1,232,530, C>T. VCF-style: chr1-1232530-C-T. GRCh37 (hg19) VCF-style: chr1-1167910-C-T.
Identifiers: ClinVar variation 1672058 (VCV001672058.16), dbSNP rs933332160, ClinGen allele CA16755166.

ClinVar aggregate classification (germline): Likely benign. Review status: criteria provided, multiple submitters, no conflicts (2 of 4 stars). 2 submissions from 2 submitters: Likely benign (2). Last evaluated 2025-08-01.

Conditions:
Ehlers-Danlos syndrome, spondylodysplastic type, 2 (EDSSPD2). Also called: Ehlers-Danlos syndrome, progeroid type, 2. Identifiers: Orphanet 536467, Orphanet 75496, MedGen C3809210, MONDO:0014139, OMIM 615349.
Spondyloepimetaphyseal dysplasia with joint laxity (SEMDJL). Identifiers: MedGen C0432243, MONDO:0019675.

Allele frequency attached by ClinVar (database versions not stated): gnomAD 0.00002; TOPMed 0.00003.
gnomAD v4.1: 25 of 1,142,708 alleles (0.0022%); highest among the groups gnomAD compares: African/African-American, 0.0033%; no homozygotes.

Submissions (2):

CeGaT Center for Human Genetics Tuebingen
Classification: Likely benign. Last evaluated: 2025-08-01. Review status: criteria provided, single submitter. Criteria: CeGaT Center For Human Genetics Tuebingen Variant Classification Criteria Version 2. Collection method: clinical testing. Allele origin: germline. Affected: yes. Observed: 1 variant allele.
Comment: B3GALT6: BP4, BP7

Labcorp Genetics (formerly Invitae), Labcorp
Classification: Likely benign for Ehlers-Danlos syndrome, spondylodysplastic type, 2; Spondyloepimetaphyseal dysplasia with joint laxity. Last evaluated: 2025-05-12. Review status: criteria provided, single submitter. Criteria: Invitae Variant Classification Sherloc (09022015). Collection method: clinical testing. Allele origin: germline.